The following is an entry in ClinVar:

NM_000492.4(CFTR):c.1394C>T (p.Thr465Ile)

Genes: CFTR-AS1 (CFTR antisense RNA 1; minus strand), CFTR (CF transmembrane conductance regulator; plus strand). Cytogenetic location: 7q31.2.
Variant type: single nucleotide variant.
Coding change: c.1394C>T on transcript NM_000492.4 (MANE Select); coding-DNA position 1394, C replaced by T.
Protein change: p.Thr465Ile; replaces threonine 465 with isoleucine.
Molecular consequence: missense variant.
Genome position (GRCh38, 1-based): chr7:117,559,465, C>T. VCF-style: chr7-117559465-C-T. GRCh37 (hg19) VCF-style: chr7-117199519-C-T.
Other names: short protein forms T465I.
Identifiers: ClinVar variation 1705988 (VCV001705988.3), dbSNP rs758900656, ClinGen allele CA368984301.

ClinVar aggregate classification (germline): Conflicting classifications of pathogenicity. Review status: criteria provided, conflicting classifications (1 of 4 stars). 2 submissions from 2 submitters: Likely pathogenic (1); Uncertain significance (1). Last evaluated 2022-09-05.

Conditions:
Cystic fibrosis (CF). Also called: MUCOVISCIDOSIS. Identifiers: Orphanet 586, MedGen C0010674, MONDO:0009061, OMIM 219700. Disease mechanism: loss of function.
Bronchiectasis with or without elevated sweat chloride 1 (BESC1). Also called: Cystic Fibrosis-Like Syndrome. Identifiers: Orphanet 60033, MedGen C2749757, MONDO:0008887, OMIM 211400.
Congenital bilateral aplasia of vas deferens from CFTR mutation (CBAVD). Identifiers: Orphanet 48, MedGen C0403814, MONDO:0010178, OMIM 277180. Disease mechanism: loss of function.
Hereditary pancreatitis (PCTT). Also called: PRSS1-Related Hereditary Pancreatitis; Hereditary chronic pancreatitis. Identifiers: Orphanet 676, MedGen C0238339, MONDO:0008185, OMIM 167800.

gnomAD v4.1: 1 of 1,596,422 alleles (0.000063%); highest among the groups gnomAD compares: Non-Finnish European, 0.000086%; no homozygotes.

Submissions (2):

Institute of Human Genetics, University of Leipzig Medical Center
Classification: Uncertain significance for Cystic fibrosis. Last evaluated: 2022-09-05. Review status: criteria provided, single submitter. Criteria: ACMG Guidelines, 2015. Collection method: curation. Allele origin: unknown. Affected: yes. Observed: 1 variant allele.
Comment: The variant was classified in the context of a project re-classifying variants in the German Cystic Fibrosis Registry (Muko.e.V.). Criteria applied: PM2_SUP, PM5, PP3

Juno Genomics, Hangzhou Juno Genomics, Inc
Classification: Likely pathogenic for Bronchiectasis with or without elevated sweat chloride 1; Hereditary pancreatitis; Congenital bilateral aplasia of vas deferens from CFTR mutation; Cystic fibrosis. Review status: criteria provided, single submitter. Criteria: ACMG Guidelines, 2015. Collection method: clinical testing. Allele origin: germline.
Comment: Absent from controls (or at extremely low frequency if recessive) in Genome Aggregation Database.;Multiple lines of computational evidence support a deleterious effect on the gene or gene product.;For recessive disorders, detected in trans with a pathogenic variant.;Patient's phenotype or family history is highly specific for a disease with a single genetic etiology.